The following is an entry in ClinVar:

NM_001184.4(ATR):c.2168A>C (p.Tyr723Ser)

Gene: ATR (ATR checkpoint kinase; minus strand). Cytogenetic location: 3q23.
Variant type: single nucleotide variant.
Coding change: c.2168A>C on transcript NM_001184.4 (MANE Select); coding-DNA position 2168, A replaced by C.
Protein change: p.Tyr723Ser; replaces tyrosine 723 with serine.
Molecular consequence: missense variant.
Genome position (GRCh38, 1-based): chr3:142,556,050, T>G on the plus strand (A>C on the coding strand, the complement: ATR is on the minus strand). VCF-style: chr3-142556050-T-G. GRCh37 (hg19) VCF-style: chr3-142274892-T-G.
Other names: c.1976A>C, p.Tyr659Ser (NM_001354579.2); short protein forms Y659S, Y723S.
Identifiers: ClinVar variation 999010 (VCV000999010.8), dbSNP rs2034660027, ClinGen allele CA354818847.

ClinVar aggregate classification (germline): Uncertain significance (1 of 4 stars; one submission).

Submission:

Labcorp Genetics (formerly Invitae), Labcorp
Classification: Uncertain significance. Last evaluated: 2020-07-07. Review status: criteria provided, single submitter. Criteria: Invitae Variant Classification Sherloc (09022015). Collection method: clinical testing. Allele origin: germline.
Comment: In summary, the available evidence is currently insufficient to determine the role of this variant in disease. Therefore, it has been classified as a Variant of Uncertain Significance. Algorithms developed to predict the effect of missense changes on protein structure and function (SIFT, PolyPhen-2, Align-GVGD) all suggest that this variant is likely to be tolerated, but these predictions have not been confirmed by published functional studies and their clinical significance is uncertain. This variant has not been reported in the literature in individuals with ATR-related conditions. This variant is not present in population databases (ExAC no frequency). This sequence change replaces tyrosine with serine at codon 723 of the ATR protein (p.Tyr723Ser). The tyrosine residue is weakly conserved and there is a large physicochemical difference between tyrosine and serine.